The following is an entry in ClinVar:

ClinVar aggregate classification (germline): Conflicting classifications of pathogenicity. Review status: criteria provided, conflicting classifications (1 of 4 stars). 3 submissions from 3 submitters: Likely pathogenic (2); Uncertain significance (1). Last evaluated 2025-08-11.

Conditions:
Autosomal recessive severe congenital neutropenia due to G6PC3 deficiency. Also called: G6PC3 Deficiency; NEUTROPENIA, SEVERE CONGENITAL, 4, AUTOSOMAL RECESSIVE. Identifiers: Orphanet 331176, MedGen C2751630, MONDO:0012930, OMIM 612541.

Submissions (3):

Labcorp Genetics (formerly Invitae), Labcorp
Classification: Likely pathogenic for Autosomal recessive severe congenital neutropenia due to G6PC3 deficiency. Last evaluated: 2025-08-11. Review status: criteria provided, single submitter. Criteria: Invitae Variant Classification Sherloc (09022015). Collection method: clinical testing. Allele origin: germline.
Comment: This sequence change replaces arginine, which is basic and polar, with proline, which is neutral and non-polar, at codon 161 of the G6PC3 protein (p.Arg161Pro). This variant is not present in population databases (gnomAD no frequency). This missense change has been observed in individual(s) with congenital neutropenia (PMID: 35838821). ClinVar contains an entry for this variant (Variation ID: 1679807). Invitae Evidence Modeling of protein sequence and biophysical properties (such as structural, functional, and spatial information, amino acid conservation, physicochemical variation, residue mobility, and thermodynamic stability) indicates that this missense variant is expected to disrupt G6PC3 protein function with a positive predictive value of 95%. This variant disrupts the p.Arg161 amino acid residue in G6PC3. Other variant(s) that disrupt this residue have been determined to be pathogenic (PMID: 22050868, 25492228, 27577878). This suggests that this residue is clinically significant, and that variants that disrupt this residue are likely to be disease-causing. In summary, the currently available evidence indicates that the variant is pathogenic, but additional data are needed to prove that conclusively. Therefore, this variant has been classified as Likely Pathogenic.

First Genomix Gene Laboratory, Genetic Diagnostics Department
Classification: Likely pathogenic for Autosomal recessive severe congenital neutropenia due to G6PC3 deficiency. Last evaluated: 2025-06-20. Review status: criteria provided, single submitter. Criteria: ACMG Guidelines, 2015. Collection method: clinical testing. Allele origin: germline. Inheritance: Autosomal recessive inheritance. Affected: no. Observed: 1 variant allele.

Kasturba Medical College, Manipal, Kasturba Medical College, Manipal, Manipal Academy of Higher Education, Manipal, India
Classification: Uncertain significance for Autosomal recessive severe congenital neutropenia due to G6PC3 deficiency. Review status: criteria provided, single submitter. Criteria: ACMG Guidelines, 2015. Collection method: clinical testing. Allele origin: germline. Affected: yes.

Literature cited by the submitters: PubMed 35838821 (cited by Labcorp Genetics (formerly Invitae), Labcorp); PubMed 22050868 (cited by Labcorp Genetics (formerly Invitae), Labcorp); PubMed 25492228 (cited by Labcorp Genetics (formerly Invitae), Labcorp); PubMed 27577878 (cited by Labcorp Genetics (formerly Invitae), Labcorp).

NM_138387.4(G6PC3):c.482G>C (p.Arg161Pro)

Gene: G6PC3 (glucose-6-phosphatase catalytic subunit 3; plus strand). Cytogenetic location: 17q21.31.
Variant type: single nucleotide variant.
Coding change: c.482G>C on transcript NM_138387.4 (MANE Select); coding-DNA position 482, G replaced by C.
Protein change: p.Arg161Pro; replaces arginine 161 with proline.
Molecular consequence: missense variant. On other transcripts: intron variant (1).
Genome position (GRCh38, 1-based): chr17:44,075,034, G>C. VCF-style: chr17-44075034-G-C. GRCh37 (hg19) VCF-style: chr17-42152402-G-C.
Other names: c.137G>C, p.Arg46Pro (NM_001384165.1, NM_001384166.1, NM_001384167.1 and 1 more transcripts); c.416+264G>C (NM_001319945.2); short protein forms R161P, R46P.
Identifiers: ClinVar variation 1679807 (VCV001679807.5), dbSNP rs1485073209, ClinGen allele CA399726890.